The following is an entry in ClinVar:

ClinVar aggregate classification (germline): Likely benign. Review status: criteria provided, multiple submitters, no conflicts (2 of 4 stars). 2 submissions from 2 submitters: Likely benign (2). Last evaluated 2026-01-12.

Allele frequency attached by ClinVar (database versions not stated): gnomAD 0.00009 and 0.00010; TOPMed 0.00009.
gnomAD v4.1: 186 of 1,066,564 alleles (0.017%); highest among the groups gnomAD compares: Non-Finnish European, 0.02%; no homozygotes.

Submissions (2):

Labcorp Genetics (formerly Invitae), Labcorp
Classification: Likely benign. Last evaluated: 2026-01-12. Review status: criteria provided, single submitter. Criteria: Invitae Variant Classification Sherloc (09022015). Collection method: clinical testing. Allele origin: germline.

CeGaT Center for Human Genetics Tuebingen
Classification: Likely benign. Last evaluated: 2023-01-01. Review status: criteria provided, single submitter. Criteria: CeGaT Center For Human Genetics Tuebingen Variant Classification Criteria Version 2. Collection method: clinical testing. Allele origin: germline. Affected: yes. Observed: 1 variant allele.
Comment: GRIN2D: BP4, BP7

NM_000836.4(GRIN2D):c.2856G>C (p.Pro952=)

Gene: GRIN2D (glutamate ionotropic receptor NMDA type subunit 2D; plus strand). Cytogenetic location: 19q13.33.
Variant type: single nucleotide variant.
Coding change: c.2856G>C on transcript NM_000836.4 (MANE Select); coding-DNA position 2856, G replaced by C.
Protein change: p.Pro952=; no amino-acid change (proline 952 retained).
Molecular consequence: synonymous variant.
Genome position (GRCh38, 1-based): chr19:48,442,782, G>C. VCF-style: chr19-48442782-G-C. GRCh37 (hg19) VCF-style: chr19-48946039-G-C.
Identifiers: ClinVar variation 1559579 (VCV001559579.31), dbSNP rs1006751152, ClinGen allele CA309298896.